The following is an entry in ClinVar:

NM_000195.5(HPS1):c.424C>T (p.Arg142Cys)

Gene: HPS1 (HPS1 biogenesis of lysosomal organelles complex 3 subunit 1; minus strand). Cytogenetic location: 10q24.2.
Variant type: single nucleotide variant.
Coding change: c.424C>T on transcript NM_000195.5 (MANE Select); coding-DNA position 424, C replaced by T.
Protein change: p.Arg142Cys; replaces arginine 142 with cysteine.
Molecular consequence: missense variant. On other transcripts: 5 prime UTR variant (3).
Genome position (GRCh38, 1-based): chr10:98,434,066, G>A on the plus strand (C>T on the coding strand, the complement: HPS1 is on the minus strand). VCF-style: chr10-98434066-G-A. GRCh37 (hg19) VCF-style: chr10-100193823-G-A.
Other names: c.-493C>T (NM_001311345.2, NM_001322489.2); c.424C>T, p.Arg142Cys (NM_001322476.2, NM_001322477.2, NM_001322478.2 and 5 more transcripts); c.281C>T, p.Ala94Val (NM_001322480.2, NM_001322481.2, NM_001322482.2); c.55C>T, p.Arg19Cys (NM_001322483.2, NM_001322484.2, NM_001322485.2); c.-592C>T (NM_001322487.2); c.424C>T (NM_000195.3); short protein forms R142C, R19C, A94V.
Identifiers: ClinVar variation 1938999 (VCV001938999.4), dbSNP rs760925097, ClinGen allele CA5639400.

ClinVar aggregate classification (germline): Uncertain significance. Review status: criteria provided, multiple submitters, no conflicts (2 of 4 stars). 3 submissions from 3 submitters: Uncertain significance (3). Last evaluated 2024-08-07.

Conditions:
Inborn genetic diseases. Identifiers: MedGen C0950123, MeSH D030342.
Hermansky-Pudlak syndrome 1 (HPS1). Also called: DELTA STORAGE POOL DISEASE. Identifiers: Orphanet 231500, Orphanet 79430, MedGen C2931875, MONDO:0008748, OMIM 203300.

Allele frequency attached by ClinVar (database versions not stated): gnomAD exomes 0.00001; gnomAD 0.00003; TOPMed 0.00005.
gnomAD v4.1: 11 of 1,550,990 alleles (0.00071%); highest among the groups gnomAD compares: African/African-American, 0.0055%; no homozygotes.

Submissions (3):

Ambry Genetics
Classification: Uncertain significance for Inborn genetic diseases. Last evaluated: 2024-08-07. Review status: criteria provided, single submitter. Criteria: Ambry Variant Classification Scheme 2023. Collection method: clinical testing. Allele origin: germline.

Fulgent Genetics
Classification: Uncertain significance for Hermansky-Pudlak syndrome 1. Last evaluated: 2024-05-06. Review status: criteria provided, single submitter. Criteria: ACMG Guidelines, 2015. Collection method: clinical testing. Allele origin: germline.

Labcorp Genetics (formerly Invitae), Labcorp
Classification: Uncertain significance. Last evaluated: 2022-09-19. Review status: criteria provided, single submitter. Criteria: Invitae Variant Classification Sherloc (09022015). Collection method: clinical testing. Allele origin: germline.
Comment: This sequence change replaces arginine, which is basic and polar, with cysteine, which is neutral and slightly polar, at codon 142 of the HPS1 protein (p.Arg142Cys). The frequency data for this variant in the population databases is considered unreliable, as metrics indicate poor data quality at this position in the gnomAD database. This variant has not been reported in the literature in individuals affected with HPS1-related conditions. Advanced modeling of protein sequence and biophysical properties (such as structural, functional, and spatial information, amino acid conservation, physicochemical variation, residue mobility, and thermodynamic stability) performed at Invitae indicates that this missense variant is expected to disrupt HPS1 protein function. Algorithms developed to predict the effect of sequence changes on RNA splicing suggest that this variant may create or strengthen a splice site. In summary, the available evidence is currently insufficient to determine the role of this variant in disease. Therefore, it has been classified as a Variant of Uncertain Significance.